The following is an entry in ClinVar:

ClinVar aggregate classification (germline): Uncertain significance (1 of 4 stars; one submission).

Allele frequency attached by ClinVar (database versions not stated): ExAC 0.00001; gnomAD 0.00003; TOPMed 0.00003.
gnomAD v4.1: 17 of 1,597,922 alleles (0.0011%); highest among the groups gnomAD compares: African/African-American, 0.008%; no homozygotes.

Submission:

Labcorp Genetics (formerly Invitae), Labcorp
Classification: Uncertain significance. Last evaluated: 2023-03-08. Review status: criteria provided, single submitter. Criteria: Invitae Variant Classification Sherloc (09022015). Collection method: clinical testing. Allele origin: germline.
Comment: This sequence change replaces proline, which is neutral and non-polar, with leucine, which is neutral and non-polar, at codon 738 of the PACS2 protein (p.Pro738Leu). This variant is present in population databases (rs781856072, gnomAD 0.02%). This variant has not been reported in the literature in individuals affected with PACS2-related conditions. Advanced modeling of protein sequence and biophysical properties (such as structural, functional, and spatial information, amino acid conservation, physicochemical variation, residue mobility, and thermodynamic stability) performed at Invitae indicates that this missense variant is not expected to disrupt PACS2 protein function. In summary, the available evidence is currently insufficient to determine the role of this variant in disease. Therefore, it has been classified as a Variant of Uncertain Significance.

NM_001100913.3(PACS2):c.2213C>T (p.Pro738Leu)

Gene: PACS2 (phosphofurin acidic cluster sorting protein 2; plus strand). Cytogenetic location: 14q32.33.
Variant type: single nucleotide variant.
Coding change: c.2213C>T on transcript NM_001100913.3 (MANE Select); coding-DNA position 2213, C replaced by T.
Protein change: p.Pro738Leu; replaces proline 738 with leucine.
Molecular consequence: missense variant.
Genome position (GRCh38, 1-based): chr14:105,391,724, C>T. VCF-style: chr14-105391724-C-T. GRCh37 (hg19) VCF-style: chr14-105858061-C-T.
Other names: c.1943C>T, p.Pro648Leu (NM_001243127.3); c.2168C>T, p.Pro723Leu (NM_015197.4); short protein forms P723L, P738L, P648L.
Identifiers: ClinVar variation 2978553 (VCV002978553.3), dbSNP rs781856072, ClinGen allele CA7389196.